The following is an entry in ClinVar:

ClinVar aggregate classification (germline): Likely pathogenic (1 of 4 stars; one submission).

Conditions:
Dilated cardiomyopathy 1G (CMD1G). Identifiers: Orphanet 154, MedGen C1858763, MONDO:0011400, OMIM 604145.
Autosomal recessive limb-girdle muscular dystrophy type 2J (LGMDR10). Also called: Limb-girdle muscular dystrophy, type 2J; MUSCULAR DYSTROPHY, LIMB-GIRDLE, AUTOSOMAL RECESSIVE 10. Identifiers: Orphanet 140922, MedGen C1837342, MONDO:0012127, OMIM 608807.

Submission:

Labcorp Genetics (formerly Invitae), Labcorp
Classification: Likely pathogenic for Dilated cardiomyopathy 1G; Autosomal recessive limb-girdle muscular dystrophy type 2J. Last evaluated: 2024-10-18. Review status: criteria provided, single submitter. Criteria: Invitae Variant Classification Sherloc (09022015). Collection method: clinical testing. Allele origin: germline.
Comment: This sequence change creates a premature translational stop signal (p.Lys1840Serfs*25) in the TTN gene. While this is not anticipated to result in nonsense mediated decay, it is expected to create a truncated TTN protein. This variant is not present in population databases (gnomAD no frequency). This variant has not been reported in the literature in individuals affected with TTN-related conditions. This variant is located in the Z band of TTN (PMID: 25589632). Truncating variants in this region have been reported in individuals affected with autosomal recessive centronuclear myopathy (PMID: 33449170, internal data). Truncating variants in this region have also been identified in individuals affected with autosomal dominant dilated cardiomyopathy and/or cardio-related conditions (PMID: 27869827, 32964742, internal data). In summary, the currently available evidence indicates that the variant is pathogenic, but additional data are needed to prove that conclusively. Therefore, this variant has been classified as Likely Pathogenic.

Literature cited by the submitters: PubMed 25589632; PubMed 33449170; PubMed 27869827; PubMed 32964742.

NM_001267550.2(TTN):c.5519del (p.Lys1840fs)

Gene: TTN (titin; minus strand). Cytogenetic location: 2q31.2.
Variant type: Deletion.
Coding change: c.5519del on transcript NM_001267550.2 (MANE Select); coding-DNA position 5519, one base deleted (A; older notation c.5519delA).
Protein change: p.Lys1840fs; shifts the reading frame from lysine 1840.
Molecular consequence: frameshift variant.
Genome position (GRCh38, 1-based): chr2:178,776,345, T deleted on the plus strand (A on the coding strand, the reverse complement: TTN is on the minus strand); the first of 4 consecutive T bases (chr2:178,776,345-178,776,348); deleting any one gives the same sequence. VCF-style (leftmost placement, unchanged base first): chr2-178776344-CT-C. GRCh37 (hg19) VCF-style: chr2-179641071-CT-C.
Other names: c.5519del, p.Lys1840fs (NM_001256850.1, NM_133378.4, NM_133379.5); c.5381del, p.Lys1794fs (NM_003319.4, NM_133432.3, NM_133437.4); short protein forms K1794fs, K1840fs.
Identifiers: ClinVar variation 2949188 (VCV002949188.3), dbSNP rs2532866358, ClinGen allele CA2740096301.